The following is an entry in ClinVar:

NM_000553.6(WRN):c.787G>T (p.Asp263Tyr)

Gene: WRN (WRN RecQ like helicase; plus strand). Cytogenetic location: 8p12.
Variant type: single nucleotide variant.
Coding change: c.787G>T on transcript NM_000553.6 (MANE Select); coding-DNA position 787, G replaced by T.
Protein change: p.Asp263Tyr; replaces aspartic acid 263 with tyrosine.
Molecular consequence: missense variant.
Genome position (GRCh38, 1-based): chr8:31,076,235, G>T. VCF-style: chr8-31076235-G-T. GRCh37 (hg19) VCF-style: chr8-30933751-G-T.
Other names: short protein forms D263Y.
Identifiers: ClinVar variation 1017826 (VCV001017826.3), dbSNP rs1813088802, ClinGen allele CA370918541.

ClinVar aggregate classification (germline): Uncertain significance (1 of 4 stars; one submission).

Conditions:
Werner syndrome (WRN). Identifiers: Orphanet 902, MedGen C0043119, MONDO:0010196, OMIM 277700.

Submission:

Labcorp Genetics (formerly Invitae), Labcorp
Classification: Uncertain significance for Werner syndrome. Last evaluated: 2020-07-27. Review status: criteria provided, single submitter. Criteria: Invitae Variant Classification Sherloc (09022015). Collection method: clinical testing. Allele origin: germline.
Comment: Algorithms developed to predict the effect of missense changes on protein structure and function output the following: SIFT: "Not Available"; PolyPhen-2: "Benign"; Align-GVGD: "Not Available". The tyrosine amino acid residue is found in multiple mammalian species, suggesting that this missense change does not adversely affect protein function. These predictions have not been confirmed by published functional studies and their clinical significance is uncertain. This variant has not been reported in the literature in individuals with WRN-related conditions. This variant is not present in population databases (ExAC no frequency). This sequence change replaces aspartic acid with tyrosine at codon 263 of the WRN protein (p.Asp263Tyr). The aspartic acid residue is moderately conserved and there is a large physicochemical difference between aspartic acid and tyrosine. In summary, the available evidence is currently insufficient to determine the role of this variant in disease. Therefore, it has been classified as a Variant of Uncertain Significance. Algorithms developed to predict the effect of sequence changes on RNA splicing suggest that this variant may create or strengthen a splice site, but this prediction has not been confirmed by published transcriptional studies.